The following is an entry in ClinVar:

ClinVar aggregate classification (germline): Likely benign. Review status: criteria provided, multiple submitters, no conflicts (2 of 4 stars). 3 submissions from 3 submitters: Likely benign (2). 1 of the submissions does not count toward it. Last evaluated 2024-06-25.

Conditions:
Inborn genetic diseases. Identifiers: MedGen C0950123, MeSH D030342.
Pfeiffer syndrome (ACS5). Also called: ACS V. Identifiers: Orphanet 710, MedGen C0220658, MONDO:0007043, OMIM 101600.
Hypogonadotropic hypogonadism 2 with or without anosmia (HH2). Also called: HYPOGONADOTROPIC HYPOGONADISM 2 WITH OR WITHOUT ANOSMIA, SUSCEPTIBILITY TO; HYPOGONADOTROPIC HYPOGONADISM 2 WITHOUT ANOSMIA, SUSCEPTIBILITY TO; FGFR1-Related GnRH Deficiency (Kallmann Syndrome 2); HYPOGONADOTROPIC HYPOGONADISM 2 WITHOUT ANOSMIA. Identifiers: Orphanet 478, MedGen C1563720, MONDO:0007844, OMIM 147950. Disease mechanism: loss of function.
FGFR1-related disorder. Also called: FGFR1-related condition; FGFR1-related disorders. Identifiers: MedGen CN380097.

Allele frequency attached by ClinVar (database versions not stated): ExAC 0.00001; gnomAD 0.00002; TOPMed 0.00003.
gnomAD v4.1: 65 of 1,613,978 alleles (0.004%); highest among the groups gnomAD compares: Non-Finnish European, 0.0047%; no homozygotes.

Submissions (3):

Ambry Genetics
Classification: Likely benign for Inborn genetic diseases. Last evaluated: 2024-06-25. Review status: criteria provided, single submitter. Criteria: Ambry Variant Classification Scheme 2023. Collection method: clinical testing. Allele origin: germline.

Labcorp Genetics (formerly Invitae), Labcorp
Classification: Likely benign for Pfeiffer syndrome; Hypogonadotropic hypogonadism 2 with or without anosmia. Last evaluated: 2022-06-27. Review status: criteria provided, single submitter. Criteria: Invitae Variant Classification Sherloc (09022015). Collection method: clinical testing. Allele origin: germline.

PreventionGenetics, part of Exact Sciences
Classification: Likely benign for FGFR1-related condition. Last evaluated: 2019-09-25. Review status: no assertion criteria provided. Collection method: clinical testing. Allele origin: germline. Not counted in ClinVar's aggregate classification.
Comment: This variant is classified as likely benign based on ACMG/AMP sequence variant interpretation guidelines (Richards et al. 2015 PMID: 25741868, with internal and published modifications).

NM_023110.3(FGFR1):c.2091C>T (p.Gly697=)

Gene: FGFR1 (fibroblast growth factor receptor 1; minus strand). Cytogenetic location: 8p11.23.
Variant type: single nucleotide variant.
Coding change: c.2091C>T on transcript NM_023110.3 (MANE Select); coding-DNA position 2091, C replaced by T.
Protein change: p.Gly697=; no amino-acid change (glycine 697 retained).
Molecular consequence: synonymous variant.
Genome position (GRCh38, 1-based): chr8:38,414,247, G>A on the plus strand (C>T on the coding strand, the complement: FGFR1 is on the minus strand). VCF-style: chr8-38414247-G-A. GRCh37 (hg19) VCF-style: chr8-38271765-G-A.
Other names: c.2085C>T, p.Gly695= (NM_001174063.2, NM_001174065.2, NM_001354367.2 and 1 more transcripts); c.2061C>T, p.Gly687= (NM_001174064.2); c.1824C>T, p.Gly608= (NM_001174066.2, NM_023105.3); c.2184C>T, p.Gly728= (NM_001174067.2); c.1812C>T, p.Gly604= (NM_001354368.2); c.2079C>T, p.Gly693= (NM_001354369.2); c.1818C>T, p.Gly606= (NM_001354370.2, NM_023106.3); c.2091C>T (NM_023110.2).
Identifiers: ClinVar variation 1569183 (VCV001569183.10), dbSNP rs773144331, ClinGen allele CA4718180.